The following is an entry in ClinVar:

NM_175875.5(SIX5):c.1145C>T (p.Thr382Ile)

Genes: SIX5 (SIX homeobox 5; minus strand), LOC107075317 (origin of replication in DMPK trinucleotide repeat region; plus strand). Cytogenetic location: 19q13.32.
Variant type: single nucleotide variant.
Coding change: c.1145C>T on transcript NM_175875.5 (MANE Select); coding-DNA position 1145, C replaced by T.
Protein change: p.Thr382Ile; replaces threonine 382 with isoleucine.
Molecular consequence: missense variant.
Genome position (GRCh38, 1-based): chr19:45,766,814, G>A on the plus strand (C>T on the coding strand, the complement: SIX5 is on the minus strand). VCF-style: chr19-45766814-G-A. GRCh37 (hg19) VCF-style: chr19-46270072-G-A.
Other names: short protein forms T382I.
Identifiers: ClinVar variation 2514825 (VCV002514825.4), dbSNP rs574536767, ClinGen allele CA9520667.

ClinVar aggregate classification (germline): Uncertain significance. Review status: criteria provided, multiple submitters, no conflicts (2 of 4 stars). 2 submissions from 2 submitters: Uncertain significance (2). Last evaluated 2024-03-26.

Allele frequency attached by ClinVar (database versions not stated): TOPMed 0.00003; ExAC 0.00005; 1000 Genomes Project 0.00020; 1000 Genomes Project 30x 0.00031.
gnomAD v4.1: 31 of 1,561,104 alleles (0.002%); highest among the groups gnomAD compares: Admixed American, 0.0092%; no homozygotes.

Submissions (2):

Labcorp Genetics (formerly Invitae), Labcorp
Classification: Uncertain significance. Last evaluated: 2024-03-26. Review status: criteria provided, single submitter. Criteria: Invitae Variant Classification Sherloc (09022015). Collection method: clinical testing. Allele origin: germline.
Comment: This sequence change replaces threonine, which is neutral and polar, with isoleucine, which is neutral and non-polar, at codon 382 of the SIX5 protein (p.Thr382Ile). This variant is present in population databases (rs574536767, gnomAD 0.01%). This variant has not been reported in the literature in individuals affected with SIX5-related conditions. ClinVar contains an entry for this variant (Variation ID: 2514825). Advanced modeling of protein sequence and biophysical properties (such as structural, functional, and spatial information, amino acid conservation, physicochemical variation, residue mobility, and thermodynamic stability) performed at Invitae indicates that this missense variant is not expected to disrupt SIX5 protein function with a negative predictive value of 80%. In summary, the available evidence is currently insufficient to determine the role of this variant in disease. Therefore, it has been classified as a Variant of Uncertain Significance.

Ambry Genetics
Classification: Uncertain significance. Last evaluated: 2023-05-09. Review status: criteria provided, single submitter. Criteria: Ambry Variant Classification Scheme 2023. Collection method: clinical testing. Allele origin: germline.